The following is an entry in ClinVar:

NM_020533.3(MCOLN1):c.330G>A (p.Ser110=)

Gene: MCOLN1 (mucolipin TRP cation channel 1; plus strand). Cytogenetic location: 19p13.2.
Variant type: single nucleotide variant.
Coding change: c.330G>A on transcript NM_020533.3 (MANE Select); coding-DNA position 330, G replaced by A.
Protein change: p.Ser110=; no amino-acid change (serine 110 retained).
Molecular consequence: synonymous variant.
Genome position (GRCh38, 1-based): chr19:7,526,531, G>A. VCF-style: chr19-7526531-G-A. GRCh37 (hg19) VCF-style: chr19-7591417-G-A.
Identifiers: ClinVar variation 4825491 (VCV004825491.2).
Genomic context (GRCh38, chr19:7,526,531, plus strand): 5'-TGTGACATTCCGGGAAGAGAACACCATCGCCTTCCGACACCTCTTCCTGCTGGGCTACTC[G>A]GACGGAGCGGATGACACCTTCGCAGCCTACACGCGGGAGCAGCTGTACCAGGCCATCTTC-3'
Protein context (NP_065394.1, residues 100-120): AFRHLFLLGY[Ser110=]DGADDTFAAY

ClinVar aggregate classification (germline): Likely benign. Review status: criteria provided, multiple submitters, no conflicts (2 of 4 stars). 2 submissions from 2 submitters: Likely benign (2). Last evaluated 2026-01-17.

Conditions:
MCOLN1-related disorder. Also called: MCOLN1-related condition.
Inborn genetic diseases. Identifiers: MedGen C0950123, MeSH D030342.

Submissions (2):

Ambry Genetics
Classification: Likely benign for Inborn genetic diseases. Last evaluated: 2026-01-17. Review status: criteria provided, single submitter. Criteria: Ambry Variant Classification Scheme 2023. Collection method: clinical testing. Allele origin: germline.

PreventionGenetics, part of Exact Sciences
Classification: Likely benign for MCOLN1-related condition. Last evaluated: 2025-04-24. Review status: criteria provided, single submitter. Criteria: ACMG Guidelines, 2015. Collection method: clinical testing. Allele origin: germline.
Comment: This variant is classified as likely benign based on ACMG/AMP sequence variant interpretation guidelines (Richards et al. 2015 PMID: 25741868, with internal and published modifications).